The following is an entry in ClinVar:

NM_007194.4(CHEK2):c.119G>C (p.Ser40Thr)

Gene: CHEK2 (checkpoint kinase 2; minus strand). Cytogenetic location: 22q12.1.
Variant type: single nucleotide variant.
Coding change: c.119G>C on transcript NM_007194.4 (MANE Select); coding-DNA position 119, G replaced by C.
Protein change: p.Ser40Thr; replaces serine 40 with threonine.
Molecular consequence: missense variant.
Genome position (GRCh38, 1-based): chr22:28,734,603, C>G on the plus strand (G>C on the coding strand, the complement: CHEK2 is on the minus strand). VCF-style: chr22-28734603-C-G. GRCh37 (hg19) VCF-style: chr22-29130591-C-G.
Other names: c.119G>C, p.Ser40Thr (NM_001005735.3, NM_001349956.3, NM_145862.3); c.-659G>C (NM_001257387.3); short protein forms S40T.
Identifiers: ClinVar variation 410002 (VCV000410002.12), dbSNP rs1060502686, ClinGen allele CA16616355.

ClinVar aggregate classification (germline): Uncertain significance (1 of 4 stars; one submission).

Conditions:
Familial cancer of breast. Also called: BREAST CANCER, FAMILIAL; Hereditary breast cancer; hereditary breast carcinoma. Identifiers: Orphanet 227535, MedGen C0346153, MONDO:0016419, OMIM 114480. Disease mechanism: loss of function.

Allele frequency attached by ClinVar (database versions not stated): gnomAD exomes below 0.00001.
gnomAD v4.1: 2 of 1,613,786 alleles (0.00012%); highest among the groups gnomAD compares: Admixed American, 0.0033%; no homozygotes.

Submission:

Labcorp Genetics (formerly Invitae), Labcorp
Classification: Uncertain significance for Familial cancer of breast. Last evaluated: 2025-10-07. Review status: criteria provided, single submitter. Criteria: Invitae Variant Classification Sherloc (09022015). Collection method: clinical testing. Allele origin: germline.
Comment: This sequence change replaces serine, which is neutral and polar, with threonine, which is neutral and polar, at codon 40 of the CHEK2 protein (p.Ser40Thr). This variant is not present in population databases (gnomAD no frequency). This variant has not been reported in the literature in individuals affected with CHEK2-related conditions. ClinVar contains an entry for this variant (Variation ID: 410002). An algorithm developed to predict the effect of missense changes on protein structure and function (PolyPhen-2) suggests that this variant is likely to be tolerated. In summary, the available evidence is currently insufficient to determine the role of this variant in disease. Therefore, it has been classified as a Variant of Uncertain Significance.